The following is an entry in ClinVar:

ClinVar aggregate classification (germline): Pathogenic (1 of 4 stars; one submission).

Conditions:
Primary ciliary dyskinesia. Also called: Ciliary dyskinesia. Identifiers: Orphanet 244, MedGen C0008780, MONDO:0016575, HP:0012265.

Submission:

Labcorp Genetics (formerly Invitae), Labcorp
Classification: Pathogenic for Primary ciliary dyskinesia. Last evaluated: 2022-07-19. Review status: criteria provided, single submitter. Criteria: Invitae Variant Classification Sherloc (09022015). Collection method: clinical testing. Allele origin: germline.
Comment: For these reasons, this variant has been classified as Pathogenic. This variant has not been reported in the literature in individuals affected with DNAI2-related conditions. This variant is a gross deletion of the genomic region encompassing exon(s) 7-8 of the DNAI2 gene. This deletion is out-of-frame, and is expected to create a premature termination codon and result in an absent or disrupted protein product. Loss-of-function variants in DNAI2 are known to be pathogenic (PMID: 18950741, 23891469).

Literature cited by the submitters: PubMed 18950741; PubMed 23891469.

NC_000017.10:g.(?_72295837)_(72297327_?)del

Gene: DNAI2 (dynein axonemal intermediate chain 2; plus strand). Cytogenetic location: 17q25.1.
Variant type: Deletion.
Identifiers: ClinVar variation 1459255 (VCV001459255.15).